The following is an entry in ClinVar:

ClinVar aggregate classification (germline): Likely benign. Review status: criteria provided, multiple submitters, no conflicts (2 of 4 stars). 2 submissions from 2 submitters: Likely benign (2). Last evaluated 2024-11-07.

Allele frequency attached by ClinVar (database versions not stated): ESP Exome Variant Server 0.00008; ExAC 0.00017; gnomAD 0.00019; gnomAD exomes 0.00019 and 0.00032; TOPMed 0.00019.
gnomAD v4.1: 481 of 1,610,926 alleles (0.03%); highest among the groups gnomAD compares: Non-Finnish European, 0.039%; no homozygotes.

Submissions (2):

Blueprint Genetics
Classification: Likely benign. Last evaluated: 2024-11-07. Review status: criteria provided, single submitter. Criteria: ACMG Guidelines, 2015. Collection method: clinical testing. Allele origin: germline.

CeGaT Center for Human Genetics Tuebingen
Classification: Likely benign. Last evaluated: 2022-03-01. Review status: criteria provided, single submitter. Criteria: CeGaT Center For Human Genetics Tuebingen Variant Classification Criteria Version 2. Collection method: clinical testing. Allele origin: germline. Affected: yes. Observed: 1 variant allele.
Comment: SRP54: BS2

NM_003136.4(SRP54):c.*8G>A

Gene: SRP54 (signal recognition particle 54; plus strand). Cytogenetic location: 14q13.2.
Variant type: single nucleotide variant.
Coding change: c.*8G>A on transcript NM_003136.4 (MANE Select); 8 bases downstream of the stop codon, G replaced by A.
Molecular consequence: 3 prime UTR variant.
Genome position (GRCh38, 1-based): chr14:35,029,160, G>A. VCF-style: chr14-35029160-G-A. GRCh37 (hg19) VCF-style: chr14-35498366-G-A.
Other names: c.*8G>A (NM_001146282.2).
Identifiers: ClinVar variation 1675536 (VCV001675536.34), dbSNP rs368338086, ClinGen allele CA7153886.